The following is an entry in ClinVar:

ClinVar aggregate classification (germline): Conflicting classifications of pathogenicity. Review status: criteria provided, conflicting classifications (1 of 4 stars). 2 submissions from 2 submitters: Likely pathogenic (1); Uncertain significance (1). Last evaluated 2023-10-18.

Conditions:
Propionic acidemia (PROP). Also called: HYPERGLYCINEMIA WITH KETOACIDOSIS AND LEUKOPENIA; KETOTIC HYPERGLYCINEMIA; GLYCINEMIA, KETOTIC. Identifiers: Orphanet 35, MedGen C0268579, MONDO:0011628, OMIM 606054, HP:0003571.

Submissions (2):

Labcorp Genetics (formerly Invitae), Labcorp
Classification: Uncertain significance for Propionic acidemia. Last evaluated: 2023-10-18. Review status: criteria provided, single submitter. Criteria: Invitae Variant Classification Sherloc (09022015). Collection method: clinical testing. Allele origin: germline.
Comment: This sequence change replaces leucine, which is neutral and non-polar, with arginine, which is basic and polar, at codon 561 of the PCCA protein (p.Leu561Arg). This variant is not present in population databases (gnomAD no frequency). This variant has not been reported in the literature in individuals affected with PCCA-related conditions. ClinVar contains an entry for this variant (Variation ID: 1332691). Advanced modeling of protein sequence and biophysical properties (such as structural, functional, and spatial information, amino acid conservation, physicochemical variation, residue mobility, and thermodynamic stability) has been performed at Invitae for this missense variant, however the output from this modeling did not meet the statistical confidence thresholds required to predict the impact of this variant on PCCA protein function. In summary, the available evidence is currently insufficient to determine the role of this variant in disease. Therefore, it has been classified as a Variant of Uncertain Significance.

Kasturba Medical College, Manipal, Kasturba Medical College, Manipal, Manipal Academy of Higher Education, Manipal, India
Classification: Likely pathogenic for Propionic acidemia. Review status: criteria provided, single submitter. Criteria: ACMG Guidelines, 2015. Collection method: clinical testing. Allele origin: inherited. Affected: yes.

NM_000282.4(PCCA):c.1682T>G (p.Leu561Arg)

Gene: PCCA (propionyl-CoA carboxylase subunit alpha; plus strand). Cytogenetic location: 13q32.3.
Variant type: single nucleotide variant.
Coding change: c.1682T>G on transcript NM_000282.4 (MANE Select); coding-DNA position 1682, T replaced by G.
Protein change: p.Leu561Arg; replaces leucine 561 with arginine.
Molecular consequence: missense variant. On other transcripts: non-coding transcript variant (2).
Genome position (GRCh38, 1-based): chr13:100,368,510, T>G. VCF-style: chr13-100368510-T-G. GRCh37 (hg19) VCF-style: chr13-101020764-T-G.
Other names: c.1604T>G, p.Leu535Arg (NM_001127692.3, NM_001352607.2); c.1682T>G, p.Leu561Arg (NM_001178004.2, NM_001352605.2, NM_001352609.2); c.1538T>G, p.Leu513Arg (NM_001352606.2); c.1460T>G, p.Leu487Arg (NM_001352608.2); c.737T>G, p.Leu246Arg (NM_001352610.2, NM_001352611.2); c.593T>G, p.Leu198Arg (NM_001352612.2); short protein forms L198R, L246R, L487R, L513R, L535R, L561R.
Identifiers: ClinVar variation 1332691 (VCV001332691.5), dbSNP rs2152811823, ClinGen allele CA388698232.